The following is an entry in ClinVar:

NM_004304.5(ALK):c.1190A>T (p.Asp397Val)

Gene: ALK (ALK receptor tyrosine kinase; minus strand). Cytogenetic location: 2p23.2.
Variant type: single nucleotide variant.
Coding change: c.1190A>T on transcript NM_004304.5 (MANE Select); coding-DNA position 1190, A replaced by T.
Protein change: p.Asp397Val; replaces aspartic acid 397 with valine.
Molecular consequence: missense variant.
Genome position (GRCh38, 1-based): chr2:29,383,824, T>A on the plus strand (A>T on the coding strand, the complement: ALK is on the minus strand). VCF-style: chr2-29383824-T-A. GRCh37 (hg19) VCF-style: chr2-29606690-T-A.
Other names: p.Asp397Val; short protein forms D397V.
Identifiers: ClinVar variation 404390 (VCV000404390.15), dbSNP rs368122868, ClinGen allele CA1594724.

ClinVar aggregate classification (germline): Conflicting classifications of pathogenicity. Review status: criteria provided, conflicting classifications (1 of 4 stars). 5 submissions from 5 submitters: Uncertain significance (4); Likely benign (1). Last evaluated 2026-01-11.

Conditions:
Hereditary cancer-predisposing syndrome. Also called: Tumor predisposition; Neoplastic Syndromes, Hereditary; Hereditary Cancer Syndrome; Hereditary neoplastic syndrome. Identifiers: Orphanet 140162, MedGen C0027672, MeSH D009386, MONDO:0015356.
Neuroblastoma, susceptibility to, 3. Also called: ALK-Related Neuroblastic Tumor Susceptibility. Identifiers: Orphanet 635, MedGen C2751681, MONDO:0013083, OMIM 613014.

Allele frequency attached by ClinVar (database versions not stated): ExAC 0.00002; gnomAD exomes 0.00002; gnomAD 0.00003; TOPMed 0.00005; ESP Exome Variant Server 0.00023.
gnomAD v4.1: 15 of 1,614,042 alleles (0.00093%); highest among the groups gnomAD compares: African/African-American, 0.012%; no homozygotes.

Submissions (5):

Labcorp Genetics (formerly Invitae), Labcorp
Classification: Uncertain significance for Neuroblastoma, susceptibility to, 3. Last evaluated: 2026-01-11. Review status: criteria provided, single submitter. Criteria: Invitae Variant Classification Sherloc (09022015). Collection method: clinical testing. Allele origin: germline.
Comment: This sequence change replaces aspartic acid, which is acidic and polar, with valine, which is neutral and non-polar, at codon 397 of the ALK protein (p.Asp397Val). This variant is present in population databases (rs368122868, gnomAD 0.02%). This variant has not been reported in the literature in individuals affected with ALK-related conditions. ClinVar contains an entry for this variant (Variation ID: 404390). An algorithm developed to predict the effect of missense changes on protein structure and function (PolyPhen-2) suggests that this variant is likely to be tolerated. In summary, the available evidence is currently insufficient to determine the role of this variant in disease. Therefore, it has been classified as a Variant of Uncertain Significance.

Mayo Clinic Laboratories, Mayo Clinic
Classification: Uncertain significance. Last evaluated: 2025-11-28. Review status: criteria provided, single submitter. Criteria: ACMG Guidelines, 2015. Collection method: clinical testing. Allele origin: germline. Observed: 1 variant allele.
Comment: BP4

Ambry Genetics
Classification: Likely benign for Hereditary cancer-predisposing syndrome. Last evaluated: 2024-12-09. Review status: criteria provided, single submitter. Criteria: Ambry Variant Classification Scheme 2023. Collection method: clinical testing. Allele origin: germline.

GeneDx
Classification: Uncertain significance. Last evaluated: 2024-02-05. Review status: criteria provided, single submitter. Criteria: GeneDx Variant Classification Process June 2021. Collection method: clinical testing. Allele origin: germline. Affected: yes.
Comment: Not observed at significant frequency in large population cohorts (gnomAD); In silico analysis supports that this missense variant does not alter protein structure/function; Observed in an individual with colon cancer (PMID: 29684080); This variant is associated with the following publications: (PMID: 29684080)

Baylor Genetics
Classification: Uncertain significance for Neuroblastoma, susceptibility to, 3. Last evaluated: 2023-12-20. Review status: criteria provided, single submitter. Criteria: ACMG Guidelines, 2015. Collection method: clinical testing. Allele origin: unknown.